The following is an entry in ClinVar:

ClinVar aggregate classification (germline): Uncertain significance. Review status: criteria provided, multiple submitters, no conflicts (2 of 4 stars). 2 submissions from 2 submitters: Uncertain significance (2). Last evaluated 2023-04-22.

Conditions:
Gastrointestinal stromal tumor. Also called: Gastrointestinal stromal tumor, somatic; Gastrointestinal stroma tumor. Identifiers: Orphanet 44890, MedGen C0238198, MeSH D046152, MONDO:0011719, OMIM 606764, HP:0100723.
Hereditary cancer-predisposing syndrome. Also called: Neoplastic Syndromes, Hereditary; Tumor predisposition; Hereditary Cancer Syndrome; Hereditary neoplastic syndrome. Identifiers: Orphanet 140162, MedGen C0027672, MeSH D009386, MONDO:0015356.

Submissions (2):

Ambry Genetics
Classification: Uncertain significance for Hereditary cancer-predisposing syndrome. Last evaluated: 2023-04-22. Review status: criteria provided, single submitter. Criteria: Ambry Variant Classification Scheme 2023. Collection method: clinical testing. Allele origin: germline.
Comment: The p.D785V variant (also known as c.2354A>T), located in coding exon 16 of the PDGFRA gene, results from an A to T substitution at nucleotide position 2354. The aspartic acid at codon 785 is replaced by valine, an amino acid with highly dissimilar properties. This amino acid position is conserved. In addition, the in silico prediction for this alteration is inconclusive. Since supporting evidence is limited at this time, the clinical significance of this alteration remains unclear.

Labcorp Genetics (formerly Invitae), Labcorp
Classification: Uncertain significance for Gastrointestinal stromal tumor. Last evaluated: 2020-08-10. Review status: criteria provided, single submitter. Criteria: Invitae Variant Classification Sherloc (09022015). Collection method: clinical testing. Allele origin: germline.
Comment: In summary, the available evidence is currently insufficient to determine the role of this variant in disease. Therefore, it has been classified as a Variant of Uncertain Significance. Algorithms developed to predict the effect of missense changes on protein structure and function (SIFT, PolyPhen-2, Align-GVGD) all suggest that this variant is likely to be disruptive, but these predictions have not been confirmed by published functional studies and their clinical significance is uncertain. This variant has not been reported in the literature in individuals with PDGFRA-related conditions. This variant is not present in population databases (ExAC no frequency). This sequence change replaces aspartic acid with valine at codon 785 of the PDGFRA protein (p.Asp785Val). The aspartic acid residue is highly conserved and there is a large physicochemical difference between aspartic acid and valine.

NM_006206.6(PDGFRA):c.2354A>T (p.Asp785Val)

Gene: PDGFRA (platelet derived growth factor receptor alpha; plus strand). Cytogenetic location: 4q12.
Variant type: single nucleotide variant.
Coding change: c.2354A>T on transcript NM_006206.6 (MANE Select); coding-DNA position 2354, A replaced by T.
Protein change: p.Asp785Val; replaces aspartic acid 785 with valine.
Molecular consequence: missense variant.
Genome position (GRCh38, 1-based): chr4:54,285,401, A>T. VCF-style: chr4-54285401-A-T. GRCh37 (hg19) VCF-style: chr4-55151568-A-T.
Other names: c.2429A>T, p.Asp810Val (NM_001347828.2); c.2354A>T, p.Asp785Val (NM_001347829.2); c.2393A>T, p.Asp798Val (NM_001347830.2); short protein forms D785V, D798V, D810V.
Identifiers: ClinVar variation 860917 (VCV000860917.12), dbSNP rs1553905964, ClinGen allele CA356894642.